The following is an entry in ClinVar:

NM_001388492.1(HTT):c.5491G>A (p.Ala1831Thr)

Gene: HTT (huntingtin; plus strand). Cytogenetic location: 4p16.3.
Variant type: single nucleotide variant.
Coding change: c.5491G>A on transcript NM_001388492.1 (MANE Select); coding-DNA position 5491, G replaced by A.
Protein change: p.Ala1831Thr; replaces alanine 1831 with threonine.
Molecular consequence: missense variant.
Genome position (GRCh38, 1-based): chr4:3,199,854, G>A. VCF-style: chr4-3199854-G-A. GRCh37 (hg19) VCF-style: chr4-3201581-G-A.
Other names: c.5497G>A, p.Ala1833Thr (NM_002111.8); short protein forms A1833T, A1831T.
Identifiers: ClinVar variation 1435750 (VCV001435750.6), dbSNP rs1315001677, ClinGen allele CA356077273.

ClinVar aggregate classification (germline): Uncertain significance (1 of 4 stars; one submission).

gnomAD v4.1: 15 of 1,614,126 alleles (0.00093%); highest among the groups gnomAD compares: Non-Finnish European, 0.00093%; no homozygotes.

Submission:

Labcorp Genetics (formerly Invitae), Labcorp
Classification: Uncertain significance. Last evaluated: 2021-03-12. Review status: criteria provided, single submitter. Criteria: Invitae Variant Classification Sherloc (09022015). Collection method: clinical testing. Allele origin: germline.
Comment: In summary, the available evidence is currently insufficient to determine the role of this variant in disease. Therefore, it has been classified as a Variant of Uncertain Significance. Experimental studies and prediction algorithms are not available or were not evaluated, and the functional significance of this variant is currently unknown. This variant has not been reported in the literature in individuals with HTT-related conditions. This variant is not present in population databases (ExAC no frequency). This sequence change replaces alanine with threonine at codon 1833 of the HTT protein (p.Ala1833Thr). The alanine residue is weakly conserved and there is a small physicochemical difference between alanine and threonine.